The following is an entry in ClinVar:

NM_020738.4(KIDINS220):c.4208C>T (p.Ser1403Phe)

Gene: KIDINS220 (kinase D interacting substrate 220; minus strand). Cytogenetic location: 2p25.1.
Variant type: single nucleotide variant.
Coding change: c.4208C>T on transcript NM_020738.4 (MANE Select); coding-DNA position 4208, C replaced by T.
Protein change: p.Ser1403Phe; replaces serine 1403 with phenylalanine.
Molecular consequence: missense variant. On other transcripts: intron variant (6).
Genome position (GRCh38, 1-based): chr2:8,731,828, G>A on the plus strand (C>T on the coding strand, the complement: KIDINS220 is on the minus strand). VCF-style: chr2-8731828-G-A. GRCh37 (hg19) VCF-style: chr2-8871958-G-A.
Other names: c.4211C>T, p.Ser1404Phe (NM_001348729.2); c.4154C>T, p.Ser1385Phe (NM_001348731.2); c.4151C>T, p.Ser1384Phe (NM_001348732.2); c.4040C>T, p.Ser1347Phe (NM_001348734.2); c.4037C>T, p.Ser1346Phe (NM_001348735.2); c.3911C>T, p.Ser1304Phe (NM_001348736.2); c.3882+1616C>T (NM_001348741.2, NM_001348742.2, NM_001348743.2); c.3996+1616C>T (NM_001348738.2); and 1 more; short protein forms S1304F, S1385F, S1404F, S1403F, S1346F, S1347F, S1384F.
Identifiers: ClinVar variation 4986677 (VCV004986677.1).
Genomic context (GRCh38, chr2:8,731,828, plus strand): 5'-GATGAACTCTGACCCATGTAATATGTGCTATGTGGAGAAGATCTGCCACTAATGGTTGTA[G>A]ACCCGGGGCCCCCTTCTAACTGGGACATCTGAGCAATGTATTCTCTATAGGCATCTCTAT-3'
Protein context (NP_065789.1, residues 1393-1413): QMSQLEGGPG[Ser1403Phe]TTISGRSSPH

ClinVar aggregate classification (germline): Uncertain significance (1 of 4 stars; one submission).

Conditions:
KIDINS220-related disorder. Also called: KIDINS220-related condition.

gnomAD v4.1: 21 of 1,614,098 alleles (0.0013%); highest among the groups gnomAD compares: South Asian, 0.022%; 1 homozygote.

Submission:

PreventionGenetics, part of Exact Sciences
Classification: Uncertain significance for KIDINS220-related condition. Last evaluated: 2024-10-11. Review status: criteria provided, single submitter. Criteria: ACMG Guidelines, 2015. Collection method: clinical testing. Allele origin: germline.
Comment: The KIDINS220 c.4208C>T variant is predicted to result in the amino acid substitution p.Ser1403Phe. To our knowledge, this variant has not been reported in the literature. This variant is reported in 0.033% of alleles in individuals of South Asian descent in gnomAD. At this time, the clinical significance of this variant is uncertain due to the absence of conclusive functional and genetic evidence.